The following is an entry in ClinVar:

ClinVar aggregate classification (germline): Benign (1 of 4 stars; one submission).

Conditions:
Bardet-Biedl syndrome 9 (BBS9). Identifiers: Orphanet 110, MedGen C1859567, MONDO:0014437, OMIM 615986.

Allele frequency attached by ClinVar (database versions not stated): gnomAD 0.00076 and 0.00108; gnomAD exomes 0.00102; TOPMed 0.00164; 1000 Genomes Project 30x 0.00437; 1000 Genomes Project 0.00479.
gnomAD v4.1: 165 of 153,324 alleles (0.11%); highest among the groups gnomAD compares: East Asian, 2.9%; 3 homozygotes.

Submission:

Illumina Laboratory Services, Illumina
Classification: Benign for Bardet-Biedl syndrome 9. Last evaluated: 2018-01-12. Review status: criteria provided, single submitter. Criteria: ICSL Variant Classification Criteria 13 December 2019. Collection method: clinical testing. Allele origin: germline.
Comment: This variant was observed in the ICSL laboratory as part of a predisposition screen in an ostensibly healthy population. It had not been previously curated by ICSL or reported in the Human Gene Mutation Database (HGMD: prior to June 1st, 2018), and was therefore a candidate for classification through an automated scoring system. Utilizing variant allele frequency, disease prevalence and penetrance estimates, and inheritance mode, an automated score was calculated to assess if this variant is too frequent to cause the disease. Based on the score and internal cut-off values, a variant classified as benign is not then subjected to further curation. The score for this variant resulted in a classification of benign for this disease.

NM_198428.3(BBS9):c.-429G>C

Genes: BBS9 (Bardet-Biedl syndrome 9; plus strand), LOC129998228 (ATAC-STARR-seq lymphoblastoid active region 25835; plus strand). Cytogenetic location: 7p14.3.
Variant type: single nucleotide variant.
Coding change: c.-429G>C on transcript NM_198428.3 (MANE Select); 429 bases upstream of the start codon, G replaced by C.
Molecular consequence: 5 prime UTR variant. On other transcripts: non-coding transcript variant (1), intron variant (1).
Genome position (GRCh38, 1-based): chr7:33,129,624, G>C. VCF-style: chr7-33129624-G-C. GRCh37 (hg19) VCF-style: chr7-33169236-G-C.
Other names: c.-429G>C (NM_001033604.2, NM_001033605.2, NM_001348040.3 and 4 more transcripts); c.-730G>C (NM_001348037.3); c.-706G>C (NM_001348038.3, NM_001348039.3); c.-441G>C (NM_001348042.3); c.-456G>C (NM_001348044.3, NM_001348046.3); c.-607G>C (NM_001348045.3); c.-12+72G>C (NM_001348036.1).
Identifiers: ClinVar variation 360049 (VCV000360049.5), dbSNP rs184271281, ClinGen allele CA10626014.